The following is an entry in ClinVar:

ClinVar aggregate classification (germline): Benign/Likely benign. Review status: criteria provided, multiple submitters, no conflicts (2 of 4 stars). 4 submissions from 4 submitters: Benign (2); Likely benign (1). 1 of the submissions does not count toward it. Last evaluated 2026-07-01.

Conditions:
ADSS1-related disorder. Also called: ADSS1-related condition.

Allele frequency attached by ClinVar (database versions not stated): ESP Exome Variant Server 0.00015; 1000 Genomes Project 30x 0.00016; 1000 Genomes Project 0.00020; gnomAD 0.00023 and 0.00027; TOPMed 0.00034; gnomAD exomes 0.00045 and 0.00056; ExAC 0.00055.
gnomAD v4.1: 724 of 1,613,796 alleles (0.045%); highest among the groups gnomAD compares: Middle Eastern, 0.43%; 5 homozygotes.

Submissions (4):

CeGaT Center for Human Genetics Tuebingen
Classification: Likely benign. Last evaluated: 2026-07-01. Review status: criteria provided, single submitter. Criteria: CeGaT Center For Human Genetics Tuebingen Variant Classification Criteria Version 2. Collection method: clinical testing. Allele origin: germline. Affected: yes. Observed: 3 variant alleles.
Comment: ADSS1: BP4, BP7

Labcorp Genetics (formerly Invitae), Labcorp
Classification: Benign. Last evaluated: 2025-12-24. Review status: criteria provided, single submitter. Criteria: Invitae Variant Classification Sherloc (09022015). Collection method: clinical testing. Allele origin: germline.

Breakthrough Genomics
Classification: Benign. Review status: criteria provided, single submitter. Criteria: ACMG Guidelines, 2015. Collection method: not provided. Allele origin: germline. Inheritance: Autosomal recessive inheritance. Affected: yes.

PreventionGenetics, part of Exact Sciences
Classification: Likely benign for ADSS1-related condition. Last evaluated: 2019-05-24. Review status: no assertion criteria provided. Collection method: clinical testing. Allele origin: germline. Not counted in ClinVar's aggregate classification.
Comment: This variant is classified as likely benign based on ACMG/AMP sequence variant interpretation guidelines (Richards et al. 2015 PMID: 25741868, with internal and published modifications).

NM_152328.5(ADSS1):c.1245C>T (p.Gly415=)

Gene: ADSS1 (adenylosuccinate synthase 1; plus strand). Cytogenetic location: 14q32.33.
Variant type: single nucleotide variant.
Coding change: c.1245C>T on transcript NM_152328.5 (MANE Select); coding-DNA position 1245, C replaced by T.
Protein change: p.Gly415=; no amino-acid change (glycine 415 retained).
Molecular consequence: synonymous variant.
Genome position (GRCh38, 1-based): chr14:104,746,309, C>T. VCF-style: chr14-104746309-C-T. GRCh37 (hg19) VCF-style: chr14-105212646-C-T.
Other names: c.630C>T, p.Gly210= (NM_001320424.1); c.1374C>T, p.Gly458= (NM_199165.2).
Identifiers: ClinVar variation 1682023 (VCV001682023.34), dbSNP rs200657817, ClinGen allele CA7374071.
Genomic context (GRCh38, chr14:104,746,309, plus strand): 5'-GCTTCAGAAGGTCGAAGTTGAGTATGAAACGCTGCCTGGGTGGAAAGCAGACACCACAGG[C>T]GCCAGGAGGTGGGAGGACCTGCCCCCACAGGCCCAGAACTACATCCGCTTTGTGGAGAAT-3'
Protein context (NP_689541.1, residues 405-425): TLPGWKADTT[Gly415=]ARRWEDLPPQ